The following is an entry in ClinVar:

NM_002968.3(SALL1):c.871C>T (p.Gln291Ter)

Gene: SALL1 (spalt like transcription factor 1; minus strand). Cytogenetic location: 16q12.1.
Variant type: single nucleotide variant.
Coding change: c.871C>T on transcript NM_002968.3 (MANE Select); coding-DNA position 871, C replaced by T.
Protein change: p.Gln291Ter; replaces glutamine 291 with a stop codon.
Molecular consequence: nonsense.
Genome position (GRCh38, 1-based): chr16:51,141,351, G>A on the plus strand (C>T on the coding strand, the complement: SALL1 is on the minus strand). VCF-style: chr16-51141351-G-A. GRCh37 (hg19) VCF-style: chr16-51175262-G-A.
Other names: c.580C>T, p.Gln194Ter (NM_001127892.2); short protein forms Q194*, Q291*.
Identifiers: ClinVar variation 936315 (VCV000936315.12), dbSNP rs1962424706, ClinGen allele CA395890533.
Genomic context (GRCh38, chr16:51,141,351, plus strand): 5'-TAATGCTGGCAGATTGGCTGGCGAGGCTCTGTGCCAATCCAGCTGCTGCTGCCAGCTGCT[G>A]AGATAAATGGGAACTTAGCGTGGACAAGGGGTTGGCAGATGTTCGTAAAGTACCTTGAGA-3'

ClinVar aggregate classification (germline): Pathogenic/Likely pathogenic. Review status: criteria provided, multiple submitters, no conflicts (2 of 4 stars). 3 submissions from 3 submitters: Pathogenic (2); Likely pathogenic (1). Last evaluated 2025-02-27.

Conditions:
Townes-Brocks syndrome 1 (TBS1). Also called: REAR SYNDROME; RENAL-EAR-ANAL-RADIAL SYNDROME; DEAFNESS, SENSORINEURAL, WITH IMPERFORATE ANUS AND THUMB ANOMALIES; SALL1-Related Townes-Brocks Syndrome. Identifiers: Orphanet 857, MedGen C4551481, MONDO:0054581, OMIM 107480.
Townes syndrome (TBS). Also called: Townes-Brocks syndrome. Identifiers: Orphanet 857, MedGen C0265246, MeSH C536974, MONDO:0007142.

Submissions (3):

Centre de Biologie Pathologie Génétique, Centre Hospitalier Universitaire de Lille
Classification: Pathogenic for Townes-Brocks syndrome 1. Last evaluated: 2025-02-27. Review status: criteria provided, single submitter. Criteria: ACMG Guidelines, 2015. Collection method: clinical testing. Allele origin: de novo. Inheritance: Autosomal dominant inheritance. Affected: yes.
Comment: PVS1 + PM2 + PP4 + PS2

Neonatal Intensive Care Unit, Fujian Provincial Hospital
Classification: Likely pathogenic for Townes-Brocks syndrome 1. Last evaluated: 2023-07-13. Review status: criteria provided, single submitter. Criteria: ACMG Guidelines, 2015. Collection method: clinical testing. Allele origin: de novo. Inheritance: Autosomal dominant inheritance. Affected: yes. Observed: 1 heterozygote.

Labcorp Genetics (formerly Invitae), Labcorp
Classification: Pathogenic for Townes syndrome. Last evaluated: 2019-08-26. Review status: criteria provided, single submitter. Criteria: Invitae Variant Classification Sherloc (09022015). Collection method: clinical testing. Allele origin: germline.
Comment: For these reasons, this variant has been classified as Pathogenic. This variant is expected to result in a truncated protein lacking all double zinc finger (DZF) domains which are critical for SALL1 protein function (PMID: 16088922, 9973281) This variant has not been reported in the literature in individuals with SALL1-related conditions. This variant is not present in population databases (ExAC no frequency). This sequence change results in a premature translational stop signal in the SALL1 gene (p.Gln291*). While this is not anticipated to result in nonsense mediated decay, it is expected to disrupt the last 1034 amino acids of the SALL1 protein.

Literature cited by the submitters: PubMed 16088922 (cited by Labcorp Genetics (formerly Invitae), Labcorp); PubMed 9973281 (cited by Labcorp Genetics (formerly Invitae), Labcorp).